The following is an entry in ClinVar:

ClinVar aggregate classification (germline): Pathogenic/Likely pathogenic. Review status: criteria provided, multiple submitters, no conflicts (2 of 4 stars). 2 submissions from 2 submitters: Pathogenic (1); Likely pathogenic (1). Last evaluated 2025-05-09.

Conditions:
ALG1-congenital disorder of glycosylation. Also called: CONGENITAL DISORDER OF GLYCOSYLATION, TYPE Ik; CDG Ik; ALG1-CDG. Identifiers: Orphanet 79327, MedGen C2931005, MONDO:0012052, OMIM 608540.

Allele frequency attached by ClinVar (database versions not stated): gnomAD 0.00001; TOPMed below 0.00001.

Submissions (2):

Dasa
Classification: Likely pathogenic. Last evaluated: 2025-05-09. Review status: criteria provided, single submitter. Criteria: DASA Assertion Criteria. Collection method: clinical testing. Allele origin: germline.
Comment: NM_019109.5(ALG1):c.235C>T (p.Gln79*) is a nonsense variant in ALG1 predicted to introduce a premature termination codon and is predicted to result in an absent or altered protein product. Loss of function is an established disease mechanism for ALG1-associated disorders. Also, this variant is rare in population databases. Based on the currently available evidence, this variant is classified as likely pathogenic.

Labcorp Genetics (formerly Invitae), Labcorp
Classification: Pathogenic for ALG1-congenital disorder of glycosylation. Last evaluated: 2023-02-08. Review status: criteria provided, single submitter. Criteria: Invitae Variant Classification Sherloc (09022015). Collection method: clinical testing. Allele origin: germline.
Comment: This sequence change creates a premature translational stop signal (p.Gln79*) in the ALG1 gene. It is expected to result in an absent or disrupted protein product. Loss-of-function variants in ALG1 are known to be pathogenic (PMID: 20679665, 23806237). This variant is present in population databases (no rsID available, gnomAD 0.003%). This variant has not been reported in the literature in individuals affected with ALG1-related conditions. For these reasons, this variant has been classified as Pathogenic.

Literature cited by the submitters: PubMed 20679665 (cited by Labcorp Genetics (formerly Invitae), Labcorp); PubMed 23806237 (cited by Labcorp Genetics (formerly Invitae), Labcorp).

NM_019109.5(ALG1):c.235C>T (p.Gln79Ter)

Gene: ALG1 (ALG1 chitobiosyldiphosphodolichol beta-mannosyltransferase; plus strand). Cytogenetic location: 16p13.3.
Variant type: single nucleotide variant.
Coding change: c.235C>T on transcript NM_019109.5 (MANE Select); coding-DNA position 235, C replaced by T.
Protein change: p.Gln79Ter; replaces glutamine 79 with a stop codon.
Molecular consequence: nonsense. On other transcripts: 5 prime UTR variant (1).
Genome position (GRCh38, 1-based): chr16:5,072,977, C>T. VCF-style: chr16-5072977-C-T. GRCh37 (hg19) VCF-style: chr16-5122978-C-T.
Other names: c.-99C>T (NM_001330504.2); short protein forms Q79*.
Identifiers: ClinVar variation 1994449 (VCV001994449.6), dbSNP rs1471952826, ClinGen allele CA394679071.